The following is an entry in ClinVar:

ClinVar aggregate classification (germline): Uncertain significance. Review status: criteria provided, multiple submitters, no conflicts (2 of 4 stars). 2 submissions from 2 submitters: Uncertain significance (2). Last evaluated 2024-12-15.

Conditions:
Inborn genetic diseases. Identifiers: MedGen C0950123, MeSH D030342.
Infantile-onset ascending hereditary spastic paralysis (IAHSP). Also called: Infantile-Onset Ascending Hereditary Spastic Paralysis (IAHSP); Autosomal Recessive Juvenile Amyotrophic Lateral Sclerosis. Identifiers: Orphanet 293168, MedGen C2931441, MONDO:0011797, OMIM 607225. Disease mechanism: loss of function.

Allele frequency attached by ClinVar (database versions not stated): gnomAD exomes 0.00001; gnomAD 0.00003; TOPMed 0.00003; ExAC 0.00004; 1000 Genomes Project 30x 0.00016; 1000 Genomes Project 0.00020.
gnomAD v4.1: 28 of 1,614,112 alleles (0.0017%); highest among the groups gnomAD compares: Admixed American, 0.02%; no homozygotes.

Submissions (2):

Ambry Genetics
Classification: Uncertain significance for Inborn genetic diseases. Last evaluated: 2024-12-15. Review status: criteria provided, single submitter. Criteria: Ambry Variant Classification Scheme 2023. Collection method: clinical testing. Allele origin: germline.

Labcorp Genetics (formerly Invitae), Labcorp
Classification: Uncertain significance for Infantile-onset ascending hereditary spastic paralysis. Last evaluated: 2021-12-18. Review status: criteria provided, single submitter. Criteria: Invitae Variant Classification Sherloc (09022015). Collection method: clinical testing. Allele origin: germline.
Comment: This sequence change replaces serine, which is neutral and polar, with glycine, which is neutral and non-polar, at codon 514 of the ALS2 protein (p.Ser514Gly). This variant is present in population databases (rs573735889, gnomAD 0.01%). This variant has not been reported in the literature in individuals affected with ALS2-related conditions. Algorithms developed to predict the effect of missense changes on protein structure and function (SIFT, PolyPhen-2, Align-GVGD) all suggest that this variant is likely to be tolerated. In summary, the available evidence is currently insufficient to determine the role of this variant in disease. Therefore, it has been classified as a Variant of Uncertain Significance.

NM_020919.4(ALS2):c.1540A>G (p.Ser514Gly)

Gene: ALS2 (alsin Rho guanine nucleotide exchange factor ALS2; minus strand). Cytogenetic location: 2q33.1.
Variant type: single nucleotide variant.
Coding change: c.1540A>G on transcript NM_020919.4 (MANE Select); coding-DNA position 1540, A replaced by G.
Protein change: p.Ser514Gly; replaces serine 514 with glycine.
Molecular consequence: missense variant.
Genome position (GRCh38, 1-based): chr2:201,754,603, T>C on the plus strand (A>G on the coding strand, the complement: ALS2 is on the minus strand). VCF-style: chr2-201754603-T-C. GRCh37 (hg19) VCF-style: chr2-202619326-T-C.
Other names: c.1540A>G, p.Ser514Gly (NM_001410975.1); c.1540A>G (NM_020919.3); short protein forms S514G.
Identifiers: ClinVar variation 2055980 (VCV002055980.2), dbSNP rs573735889, ClinGen allele CA2058432.
Genomic context (GRCh38, chr2:201,754,603, plus strand): 5'-CTTTCCCCCAGGTCCACACTTCTGTTCTCAGAGAAGGCAGGAGCGCATCTGCTTCTCCAC[T>C]GTATGTGGGGGTCAGAACCACTGTCCTCGTTTTCACCCGTGCAGCCTTTCTTAAGAGCCT-3'
Protein context (NP_065970.2, residues 504-524): TRTVVLTPTY[Ser514Gly]GEADALLPSL